The following is an entry in ClinVar:

NM_017612.5(ZCCHC8):c.199+3A>G

Gene: ZCCHC8 (zinc finger CCHC-type containing 8; minus strand). Cytogenetic location: 12q24.31.
Variant type: single nucleotide variant.
Coding change: c.199+3A>G on transcript NM_017612.5 (MANE Select); 3 bases into the intron after coding-DNA position 199, A replaced by G.
Molecular consequence: intron variant. On other transcripts: 5 prime UTR variant (1).
Genome position (GRCh38, 1-based): chr12:122,500,639, T>C on the plus strand (A>G on the coding strand, the complement: ZCCHC8 is on the minus strand). VCF-style: chr12-122500639-T-C. GRCh37 (hg19) VCF-style: chr12-122985186-T-C.
Other names: c.-722A>G (NM_001350936.2); c.-240+3A>G (NM_001350938.2); c.199+3A>G (NM_001350935.2); c.-346+3A>G (NM_001350937.2).
Identifiers: ClinVar variation 1494586 (VCV001494586.6), dbSNP rs777713746, ClinGen allele CA6846519.

ClinVar aggregate classification (germline): Uncertain significance (1 of 4 stars; one submission).

Allele frequency attached by ClinVar (database versions not stated): gnomAD 0.00001; TOPMed 0.00001; gnomAD exomes 0.00002; ExAC 0.00005.
gnomAD v4.1: 36 of 1,566,602 alleles (0.0023%); highest among the groups gnomAD compares: Non-Finnish European, 0.0027%; no homozygotes.

Submission:

Labcorp Genetics (formerly Invitae), Labcorp
Classification: Uncertain significance. Last evaluated: 2022-12-14. Review status: criteria provided, single submitter. Criteria: Invitae Variant Classification Sherloc (09022015). Collection method: clinical testing. Allele origin: germline.
Comment: This sequence change falls in intron 1 of the ZCCHC8 gene. It does not directly change the encoded amino acid sequence of the ZCCHC8 protein. It affects a nucleotide within the consensus splice site. This variant is present in population databases (rs777713746, gnomAD 0.004%). This variant has not been reported in the literature in individuals affected with ZCCHC8-related conditions. ClinVar contains an entry for this variant (Variation ID: 1494586). Variants that disrupt the consensus splice site are a relatively common cause of aberrant splicing (PMID: 17576681, 9536098). Algorithms developed to predict the effect of sequence changes on RNA splicing suggest that this variant may disrupt the consensus splice site. In summary, the available evidence is currently insufficient to determine the role of this variant in disease. Therefore, it has been classified as a Variant of Uncertain Significance.

Literature cited by the submitters: PubMed 17576681; PubMed 9536098.